The following is an entry in ClinVar:

NM_000552.5(VWF):c.2815G>A (p.Gly939Arg)

Gene: VWF (von Willebrand factor; minus strand). Cytogenetic location: 12p13.31.
Variant type: single nucleotide variant.
Coding change: c.2815G>A on transcript NM_000552.5 (MANE Select); coding-DNA position 2815, G replaced by A.
Protein change: p.Gly939Arg; replaces glycine 939 with arginine.
Molecular consequence: missense variant.
Genome position (GRCh38, 1-based): chr12:6,031,449, C>T on the plus strand (G>A on the coding strand, the complement: VWF is on the minus strand). VCF-style: chr12-6031449-C-T. GRCh37 (hg19) VCF-style: chr12-6140615-C-T.
Other names: c.2815G>A (NM_000552.4); short protein forms G939R.
Identifiers: ClinVar variation 2500546 (VCV002500546.3), dbSNP rs147408448, ClinGen allele CA6402950.

ClinVar aggregate classification (germline): Uncertain significance. Review status: criteria provided, multiple submitters, no conflicts (2 of 4 stars). 3 submissions from 3 submitters: Uncertain significance (3). Last evaluated 2024-07-18.

Allele frequency attached by ClinVar (database versions not stated): ExAC 0.00007; ESP Exome Variant Server 0.00008; gnomAD 0.00022; TOPMed 0.00024; 1000 Genomes Project 30x 0.00031; 1000 Genomes Project 0.00040.
gnomAD v4.1: 90 of 1,614,168 alleles (0.0056%); highest among the groups gnomAD compares: African/African-American, 0.096%; no homozygotes.

Submissions (3):

Quest Diagnostics Nichols Institute San Juan Capistrano
Classification: Uncertain significance. Last evaluated: 2024-07-18. Review status: criteria provided, single submitter. Criteria: Quest Diagnostics criteria. Collection method: clinical testing. Allele origin: unknown.
Comment: The VWF c.2815G>A (p.Gly939Arg) variant has not been reported in individuals with VWF-related conditions in the published literature. The frequency of this variant in the general population, 0.001 (26/24962 chromosomes (Genome Aggregation Database)), is uninformative in the assessment of its pathogenicity. Analysis of this variant using bioinformatics tools for the prediction of the effect of amino acid changes on protein structure and function yielded conflicting predictions that this variant is benign or damaging. Based on the available information, we are unable to determine the clinical significance of this variant.

Women's Health and Genetics/Laboratory Corporation of America, LabCorp
Classification: Uncertain significance. Last evaluated: 2024-06-21. Review status: criteria provided, single submitter. Criteria: LabCorp Variant Classification Summary - May 2015. Collection method: clinical testing. Allele origin: germline.
Comment: Variant summary: VWF c.2815G>A (p.Gly939Arg) results in a non-conservative amino acid change located in the von Willebrand factor, type D domain (IPR001846) of the encoded protein sequence. Four of five in-silico tools predict a damaging effect of the variant on protein function. The variant allele was found at a frequency of 7.6e-05 in 251484 control chromosomes, predominantly at a frequency of 0.0011 within the African or African-American subpopulation in the gnomAD database. This frequency is not significantly higher than estimated for a pathogenic variant in VWF causing Von Willebrand Disease, allowing no conclusion about variant significance. To our knowledge, no occurrence of c.2815G>A in individuals affected with Von Willebrand Disease and no experimental evidence demonstrating its impact on protein function have been reported. ClinVar contains an entry for this variant (Variation ID: 2500546). Based on the evidence outlined above, the variant was classified as uncertain significance.

GeneDx
Classification: Uncertain significance. Last evaluated: 2022-11-01. Review status: criteria provided, single submitter. Criteria: GeneDx Variant Classification Process June 2021. Collection method: clinical testing. Allele origin: germline. Affected: yes.
Comment: In silico analysis supports that this missense variant has a deleterious effect on protein structure/function; Has not been previously published as pathogenic or benign to our knowledge

Literature cited by the submitters: PubMed 23216583 (cited by Women's Health and Genetics/Laboratory Corporation of America, LabCorp).